The following is an entry in ClinVar:

ClinVar aggregate classification (germline): Pathogenic. Review status: criteria provided, multiple submitters, no conflicts (2 of 4 stars). 3 submissions from 3 submitters: Pathogenic (3). Last evaluated 2024-11-22.

Conditions:
Peroxisome biogenesis disorder 9B. Also called: PEX7-Related Refsum Disease; PEROXISOME BIOGENESIS DISORDER, PEX7-RELATED, ATYPICAL; Refsum disease, adult, 2. Identifiers: Orphanet 773, MedGen C2749346, MONDO:0013945, OMIM 614879.
Peroxisome biogenesis disorder. Identifiers: Orphanet 79189, MedGen C1832200, MONDO:0019234. Disease mechanism: loss of function.

Submissions (3):

Myriad Genetics, Inc.
Classification: Pathogenic for Peroxisome biogenesis disorder. Last evaluated: 2024-11-22. Review status: criteria provided, single submitter. Criteria: Myriad Autosomal Dominant, Autosomal Recessive and X-Linked Classification Criteria (2023). Collection method: clinical testing. Allele origin: unknown.
Comment: NM_000288.3(PEX7):c.213delT(F71Lfs*3) is expected to be pathogenic in the context of PEX7-related disorders. This variant is predicted to lead to an abnormal or absent protein product due to the creation of a premature termination codon in PEX7, a gene where loss-of-function variants are known to be pathogenic. Please note: this variant was assessed in the context of healthy population screening.

Labcorp Genetics (formerly Invitae), Labcorp
Classification: Pathogenic for Peroxisome biogenesis disorder 9B. Last evaluated: 2021-08-11. Review status: criteria provided, single submitter. Criteria: Invitae Variant Classification Sherloc (09022015). Collection method: clinical testing. Allele origin: germline.
Comment: For these reasons, this variant has been classified as Pathogenic. This variant is not present in population databases (ExAC no frequency). This variant has not been reported in the literature in individuals affected with PEX7-related conditions. ClinVar contains an entry for this variant (Variation ID: 502657). This sequence change creates a premature translational stop signal (p.Phe71Leufs*3) in the PEX7 gene. It is expected to result in an absent or disrupted protein product. Loss-of-function variants in PEX7 are known to be pathogenic (PMID: 12325024, 12522768, 20301447).

Eurofins Ntd Llc (ga)
Classification: Pathogenic. Last evaluated: 2017-06-29. Review status: criteria provided, single submitter. Criteria: EGL Classification Definitions 2015. Collection method: clinical testing. Allele origin: germline. Observed: 1 variant allele, 1 heterozygote.

Literature cited by the submitters: PubMed 12325024 (cited by Labcorp Genetics (formerly Invitae), Labcorp); PubMed 12522768 (cited by Labcorp Genetics (formerly Invitae), Labcorp); PubMed 20301447 (cited by Labcorp Genetics (formerly Invitae), Labcorp).

NM_000288.4(PEX7):c.213del (p.Phe71fs)

Gene: PEX7 (peroxisomal biogenesis factor 7; plus strand). Cytogenetic location: 6q23.3.
Variant type: Deletion.
Coding change: c.213del on transcript NM_000288.4 (MANE Select); coding-DNA position 213, one base deleted (T; older notation c.213delT).
Protein change: p.Phe71fs; shifts the reading frame from phenylalanine 71.
Molecular consequence: frameshift variant.
Genome position (GRCh38, 1-based): chr6:136,826,343, T deleted; the last of 3 consecutive T bases (chr6:136,826,341-136,826,343); deleting any one gives the same sequence. VCF-style (leftmost placement, unchanged base first): chr6-136826340-GT-G. GRCh37 (hg19) VCF-style: chr6-137147478-GT-G.
Other names: short protein forms F71fs.
Identifiers: ClinVar variation 502657 (VCV000502657.11), dbSNP rs1190462422, ClinGen allele CA570744614.
Genomic context (GRCh38, chr6:136,826,340, plus strand): 5'-GTGTTGTATTTTTTTGTTGTTTGTTTTTTCCTAGTGTAGCTTTGACTGGAATGATGGTTT[GT>G]TTGATGTGACTTGGAGTGAGAACAACGAACATGTCCTCATCACCTGTAGTGGCGATGGCT-3'